The following is an entry in ClinVar:

ClinVar aggregate classification (germline): Likely benign. Review status: criteria provided, multiple submitters, no conflicts (2 of 4 stars). 4 submissions from 4 submitters: Likely benign (3). 1 of the submissions does not count toward it. Last evaluated 2026-01-19.

Conditions:
ABCB11-related disorder. Also called: ABCB11-related condition.
Progressive familial intrahepatic cholestasis type 2. Identifiers: Orphanet 79304, MedGen C3489789, MONDO:0011156, OMIM 601847.
Benign recurrent intrahepatic cholestasis type 2 (BRIC2). Also called: Recurrent familial intrahepatic cholestasis 2. Identifiers: Orphanet 65682, Orphanet 99961, MedGen C2608083, MONDO:0011559, OMIM 605479.

Allele frequency attached by ClinVar (database versions not stated): gnomAD exomes 0.00005 and 0.00012; gnomAD 0.00007 and 0.00010; ExAC 0.00014; 1000 Genomes Project 0.00020; TOPMed 0.00025; 1000 Genomes Project 30x 0.00031.
gnomAD v4.1: 103 of 1,612,864 alleles (0.0064%); highest among the groups gnomAD compares: Admixed American, 0.053%; no homozygotes.

Submissions (4):

Labcorp Genetics (formerly Invitae), Labcorp
Classification: Likely benign. Last evaluated: 2026-01-19. Review status: criteria provided, single submitter. Criteria: Invitae Variant Classification Sherloc (09022015). Collection method: clinical testing. Allele origin: germline.

Fulgent Genetics
Classification: Likely benign for Progressive familial intrahepatic cholestasis type 2; Benign recurrent intrahepatic cholestasis type 2. Last evaluated: 2022-01-15. Review status: criteria provided, single submitter. Criteria: ACMG Guidelines, 2015. Collection method: clinical testing. Allele origin: unknown.

GeneDx
Classification: Likely benign. Last evaluated: 2018-01-03. Review status: criteria provided, single submitter. Criteria: GeneDx Variant Classification (06012015). Collection method: clinical testing. Allele origin: germline. Affected: yes.
Comment: This variant is considered likely benign or benign based on one or more of the following criteria: it is a conservative change, it occurs at a poorly conserved position in the protein, it is predicted to be benign by multiple in silico algorithms, and/or has population frequency not consistent with disease.

PreventionGenetics, part of Exact Sciences
Classification: Likely benign for ABCB11-related condition. Last evaluated: 2021-04-28. Review status: no assertion criteria provided. Collection method: clinical testing. Allele origin: germline. Not counted in ClinVar's aggregate classification.
Comment: This variant is classified as likely benign based on ACMG/AMP sequence variant interpretation guidelines (Richards et al. 2015 PMID: 25741868, with internal and published modifications).

NM_003742.4(ABCB11):c.3132T>C (p.Ala1044=)

Gene: ABCB11 (ATP binding cassette subfamily B member 11; minus strand). Cytogenetic location: 2q31.1.
Variant type: single nucleotide variant.
Coding change: c.3132T>C on transcript NM_003742.4 (MANE Select); coding-DNA position 3132, T replaced by C.
Protein change: p.Ala1044=; no amino-acid change (alanine 1044 retained).
Molecular consequence: synonymous variant.
Genome position (GRCh38, 1-based): chr2:168,932,458, A>G on the plus strand (T>C on the coding strand, the complement: ABCB11 is on the minus strand). VCF-style: chr2-168932458-A-G. GRCh37 (hg19) VCF-style: chr2-169788968-A-G.
Other names: c.3132T>C, p.Ala1044= (LRG_1199t1).
Identifiers: ClinVar variation 514075 (VCV000514075.15), dbSNP rs199974713, ClinGen allele CA1951097.